The following is an entry in ClinVar:

NM_002878.4(RAD51D):c.970C>T (p.Gln324Ter)

Genes: RAD51D (RAD51 paralog D; minus strand), RAD51L3-RFFL (RAD51L3-RFFL readthrough; minus strand). Cytogenetic location: 17q12.
Variant type: single nucleotide variant.
Coding change: c.970C>T on transcript NM_002878.4 (MANE Select); coding-DNA position 970, C replaced by T.
Protein change: p.Gln324Ter; replaces glutamine 324 with a stop codon.
Molecular consequence: nonsense. On other transcripts: non-coding transcript variant (2).
Genome position (GRCh38, 1-based): chr17:35,100,970, G>A on the plus strand (C>T on the coding strand, the complement: RAD51D is on the minus strand). VCF-style: chr17-35100970-G-A. GRCh37 (hg19) VCF-style: chr17-33427989-G-A.
Other names: c.1030C>T, p.Gln344Ter (NM_001142571.2); c.634C>T, p.Gln212Ter (NM_133629.3); short protein forms Q212*, Q344*, Q324*.
Identifiers: ClinVar variation 2709440 (VCV002709440.4), dbSNP rs1217001362, ClinGen allele CA399086056.
Genomic context (GRCh38, chr17:35,100,970, plus strand): 5'-AGGGGTCCCCAATGCTTCCCTGTTTCCCAAACAACAGCACAGGTCATGTCTGATCACCCT[G>A]TAATGTGGCACTCTGCTCTGAGGTCCCCCAGGTCCCAATGTCTACCATCTCCTGGAAACC-3'

ClinVar aggregate classification (germline): Uncertain significance. Review status: criteria provided, multiple submitters, no conflicts (2 of 4 stars). 2 submissions from 2 submitters: Uncertain significance (2). Last evaluated 2024-02-26.

Conditions:
Breast-ovarian cancer, familial, susceptibility to, 4. Identifiers: Orphanet 145, MedGen C3280345, MONDO:0013669, OMIM 614291.
Hereditary cancer-predisposing syndrome. Also called: Neoplastic Syndromes, Hereditary; Tumor predisposition; Hereditary Cancer Syndrome; Hereditary neoplastic syndrome. Identifiers: Orphanet 140162, MedGen C0027672, MeSH D009386, MONDO:0015356.

Allele frequency attached by ClinVar (database versions not stated): gnomAD exomes below 0.00001.
gnomAD v4.1: 2 of 1,613,134 alleles (0.00012%); highest among the groups gnomAD compares: South Asian, 0.0011%; no homozygotes.

Submissions (2):

Ambry Genetics
Classification: Uncertain significance for Hereditary cancer-predisposing syndrome. Last evaluated: 2024-02-26. Review status: criteria provided, single submitter. Criteria: Ambry Variant Classification Scheme 2023. Collection method: clinical testing. Allele origin: germline.
Comment: The p.Q324* variant (also known as c.970C>T), located in coding exon 10 of the RAD51D gene, results from a C to T substitution at nucleotide position 970. This changes the amino acid from a glutamine to a stop codon within coding exon 10. This alteration occurs at the 3' terminus of theRAD51D gene, is not expected to trigger nonsense-mediated mRNAdecay, and only impacts the last 5 amino acids of the protein. The exact functional effect of this alteration is unknown. Based on the available evidence, the clinical significance of this alteration remains unclear.

Labcorp Genetics (formerly Invitae), Labcorp
Classification: Uncertain significance for Breast-ovarian cancer, familial, susceptibility to, 4. Last evaluated: 2024-01-15. Review status: criteria provided, single submitter. Criteria: Invitae Variant Classification Sherloc (09022015). Collection method: clinical testing. Allele origin: germline.
Comment: This sequence change creates a premature translational stop signal (p.Gln324*) in the RAD51D gene. While this is not anticipated to result in nonsense mediated decay, it is expected to disrupt the last 5 amino acid(s) of the RAD51D protein. This variant is present in population databases (no rsID available, gnomAD 0.003%). This variant has not been reported in the literature in individuals affected with RAD51D-related conditions. Experimental studies and prediction algorithms are not available or were not evaluated, and the functional significance of this variant is currently unknown. In summary, the available evidence is currently insufficient to determine the role of this variant in disease. Therefore, it has been classified as a Variant of Uncertain Significance.